The following is an entry in ClinVar:

ClinVar aggregate classification (germline): Uncertain significance (1 of 4 stars; one submission).

Conditions:
Primary ciliary dyskinesia. Also called: Ciliary dyskinesia. Identifiers: Orphanet 244, MedGen C0008780, MONDO:0016575, HP:0012265.

Submission:

Ambry Genetics
Classification: Uncertain significance for Primary ciliary dyskinesia. Last evaluated: 2022-05-30. Review status: criteria provided, single submitter. Criteria: Ambry Variant Classification Scheme 2023. Collection method: clinical testing. Allele origin: germline.
Comment: The p.E3703K variant (also known as c.11107G>A), located in coding exon 68 of the DNAH11 gene, results from a G to A substitution at nucleotide position 11107. The glutamic acid at codon 3703 is replaced by lysine, an amino acid with similar properties. This amino acid position is conserved. In addition, the in silico prediction for this alteration is inconclusive. Since supporting evidence is limited at this time, the clinical significance of this alteration remains unclear.

NM_001277115.2(DNAH11):c.11107G>A (p.Glu3703Lys)

Gene: DNAH11 (dynein axonemal heavy chain 11; plus strand). Cytogenetic location: 7p15.3.
Variant type: single nucleotide variant.
Coding change: c.11107G>A on transcript NM_001277115.2 (MANE Select); coding-DNA position 11107, G replaced by A.
Protein change: p.Glu3703Lys; replaces glutamic acid 3703 with lysine.
Molecular consequence: missense variant.
Genome position (GRCh38, 1-based): chr7:21,854,360, G>A. VCF-style: chr7-21854360-G-A. GRCh37 (hg19) VCF-style: chr7-21893978-G-A.
Other names: c.11128G>A, p.Glu3710Lys (NM_003777.3); short protein forms E3703K, E3710K.
Identifiers: ClinVar variation 1794909 (VCV001794909.2), dbSNP rs762297426, ClinGen allele CA366959892.